The following is an entry in ClinVar:

ClinVar aggregate classification (germline): Uncertain significance (1 of 4 stars; one submission).

Submission:

CeGaT Center for Human Genetics Tuebingen
Classification: Uncertain significance. Last evaluated: 2023-01-01. Review status: criteria provided, single submitter. Criteria: CeGaT Center For Human Genetics Tuebingen Variant Classification Criteria Version 2. Collection method: clinical testing. Allele origin: germline. Affected: yes. Observed: 1 variant allele.
Comment: ANK2: PM2

NM_001148.6(ANK2):c.1960G>C (p.Glu654Gln)

Gene: ANK2 (ankyrin 2; plus strand). Cytogenetic location: 4q26.
Variant type: single nucleotide variant.
Coding change: c.1960G>C on transcript NM_001148.6 (MANE Select); coding-DNA position 1960, G replaced by C.
Protein change: p.Glu654Gln; replaces glutamic acid 654 with glutamine.
Molecular consequence: missense variant.
Genome position (GRCh38, 1-based): chr4:113,282,753, G>C. VCF-style: chr4-113282753-G-C. GRCh37 (hg19) VCF-style: chr4-114203909-G-C.
Other names: c.1897G>C, p.Glu633Gln (NM_001127493.3, NM_001354239.2, NM_001354243.2 and 10 more transcripts); c.1960G>C, p.Glu654Gln (NM_001354225.2, NM_001354228.2, NM_001354232.2 and 6 more transcripts); c.2005G>C, p.Glu669Gln (NM_001354230.2, NM_001354231.2, NM_001354237.2 and 5 more transcripts); c.1861G>C, p.Glu621Gln (NM_001354245.2, NM_001354268.2); c.1873G>C, p.Glu625Gln (NM_001354249.2, NM_001354264.2, NM_001354266.2 and 10 more transcripts); c.1750G>C, p.Glu584Gln (NM_001354269.3); c.1798G>C, p.Glu600Gln (NM_001354270.2, NM_001386156.1, NM_001354253.2 and 1 more transcripts); c.1774G>C, p.Glu592Gln (NM_001354271.2, NM_001386151.1, NM_001354260.2); and 8 more; short protein forms E526Q, E559Q, E584Q, E588Q, E592Q, E600Q, E621Q, E625Q.
Identifiers: ClinVar variation 2655034 (VCV002655034.24), dbSNP rs2495900192, ClinGen allele CA357913966.
Genomic context (GRCh38, chr4:113,282,753, plus strand): 5'-CATATTGCTGCCAAGAAGAATCAAATGCAGATAGCTTCCACACTCCTGAACTATGGAGCA[G>C]AGACAAACATTGTGACAAAGCAAGGAGTAACTCCACTCCATCTGGCCTCGCAGGAGGGGC-3'
Protein context (NP_001139.3, residues 644-664): IASTLLNYGA[Glu654Gln]TNIVTKQGVT